The following is an entry in ClinVar:

ClinVar aggregate classification (germline): Conflicting classifications of pathogenicity. Review status: criteria provided, conflicting classifications (1 of 4 stars). 2 submissions from 2 submitters: Uncertain significance (1); Likely benign (1). Last evaluated 2025-12-03.

Conditions:
DICER1-related tumor predisposition. Also called: DICER1 syndrome; DICER1-related pleuropulmonary blastoma cancer predisposition syndrome. Identifiers: Orphanet 284343, MedGen C3839822, MONDO:0100216.
Hereditary cancer-predisposing syndrome. Also called: Neoplastic Syndromes, Hereditary; Hereditary Cancer Syndrome; Tumor predisposition; Hereditary neoplastic syndrome. Identifiers: Orphanet 140162, MedGen C0027672, MeSH D009386, MONDO:0015356.

Allele frequency attached by ClinVar (database versions not stated): gnomAD exomes below 0.00001; TOPMed below 0.00001.
gnomAD v4.1: 1 of 1,614,150 alleles (0.000062%); highest among the groups gnomAD compares: Non-Finnish European, 0.000085%; no homozygotes.

Submissions (2):

Labcorp Genetics (formerly Invitae), Labcorp
Classification: Uncertain significance for DICER1-related tumor predisposition. Last evaluated: 2025-12-03. Review status: criteria provided, single submitter. Criteria: Invitae Variant Classification Sherloc (09022015). Collection method: clinical testing. Allele origin: germline.
Comment: This sequence change replaces alanine, which is neutral and non-polar, with threonine, which is neutral and polar, at codon 1170 of the DICER1 protein (p.Ala1170Thr). This variant is not present in population databases (gnomAD no frequency). This variant has not been reported in the literature in individuals affected with DICER1-related conditions. ClinVar contains an entry for this variant (Variation ID: 582540). Invitae Evidence Modeling of protein sequence and biophysical properties (such as structural, functional, and spatial information, amino acid conservation, physicochemical variation, residue mobility, and thermodynamic stability) indicates that this missense variant is not expected to disrupt DICER1 protein function with a negative predictive value of 95%. In summary, the available evidence is currently insufficient to determine the role of this variant in disease. Therefore, it has been classified as a Variant of Uncertain Significance.

Ambry Genetics
Classification: Likely benign for Hereditary cancer-predisposing syndrome. Last evaluated: 2018-10-08. Review status: criteria provided, single submitter. Criteria: Ambry Variant Classification Scheme 2023. Collection method: clinical testing. Allele origin: germline.

NM_177438.3(DICER1):c.3508G>A (p.Ala1170Thr)

Gene: DICER1 (dicer 1, ribonuclease III; minus strand). Cytogenetic location: 14q32.13.
Variant type: single nucleotide variant.
Coding change: c.3508G>A on transcript NM_177438.3 (MANE Select); coding-DNA position 3508, G replaced by A.
Protein change: p.Ala1170Thr; replaces alanine 1170 with threonine.
Molecular consequence: missense variant.
Genome position (GRCh38, 1-based): chr14:95,103,888, C>T on the plus strand (G>A on the coding strand, the complement: DICER1 is on the minus strand). VCF-style: chr14-95103888-C-T. GRCh37 (hg19) VCF-style: chr14-95570225-C-T.
Other names: c.3508G>A, p.Ala1170Thr (NM_001195573.1, NM_001271282.3, NM_001291628.2 and 1 more transcripts); short protein forms A1170T.
Identifiers: ClinVar variation 582540 (VCV000582540.14), dbSNP rs1566768694, ClinGen allele CA390875135.